The following is an entry in ClinVar:

NC_000016.9:g.89840966_89866228del

Variant type: Deletion.
Identifiers: ClinVar variation 974000 (VCV000974000.1).

ClinVar aggregate classification (germline): Pathogenic (0 of 4 stars; one submission).

Conditions:
Fanconi anemia complementation group A (FANCA). Also called: Fanconi anemia, group A; FANCA-Related Fanconi Anemia. Identifiers: Orphanet 84, MedGen C3469521, MONDO:0009215, OMIM 227650.

Submission:

Leiden Open Variation Database
Classification: Pathogenic for Fanconi anemia complementation group A. Last evaluated: 2020-02-28. Review status: no assertion criteria provided. Collection method: curation. Allele origin: germline. Affected: yes.
Comment: Curator: Arleen D. Auerbach. Submitter to LOVD: Arleen D. Auerbach.

Literature cited by the submitters: PubMed 25168418.